The following is an entry in ClinVar:

ClinVar aggregate classification (germline): Conflicting classifications of pathogenicity. Review status: criteria provided, conflicting classifications (1 of 4 stars). 5 submissions from 5 submitters: Uncertain significance (3); Likely benign (1). 1 of the submissions does not count toward it. Last evaluated 2026-01-26.

Conditions:
TG-related disorder. Also called: TG-related condition; TG-related disorders.
Iodotyrosyl coupling defect (TDH3). Also called: HYPOTHYROIDISM, CONGENITAL, DUE TO DYSHORMONOGENESIS, 3; THYROID HORMONOGENESIS, GENETIC DEFECT IN, 3. Identifiers: Orphanet 95716, MedGen C0342194, MONDO:0010135, OMIM 274700.

Allele frequency attached by ClinVar (database versions not stated): ESP Exome Variant Server 0.00161; gnomAD 0.00195 and 0.00198; 1000 Genomes Project 30x 0.00203; 1000 Genomes Project 0.00220; TOPMed 0.00230.
gnomAD v4.1: 755 of 1,613,938 alleles (0.047%); highest among the groups gnomAD compares: African/African-American, 0.58%; 3 homozygotes.

Submissions (6):

Labcorp Genetics (formerly Invitae), Labcorp
Classification: Likely benign. Last evaluated: 2026-01-26. Review status: criteria provided, single submitter. Criteria: Invitae Variant Classification Sherloc (09022015). Collection method: clinical testing. Allele origin: germline.

GeneDx
Classification: Uncertain significance. Last evaluated: 2025-12-30. Review status: criteria provided, single submitter. Criteria: GeneDx Variant Classification Process June 2021. Collection method: clinical testing. Allele origin: germline.
Comment: In silico analysis supports that this missense variant has a deleterious effect on protein structure/function; Has not been previously published as pathogenic or benign to our knowledge

CeGaT Center for Human Genetics Tuebingen
Classification: Uncertain significance. Last evaluated: 2021-07-01. Review status: criteria provided, single submitter. Criteria: CeGaT Center For Human Genetics Tuebingen Variant Classification Criteria Version 2. Collection method: clinical testing. Allele origin: germline. Affected: yes. Observed: 1 variant allele.

Illumina Laboratory Services, Illumina
Classification: Uncertain significance for Iodotyrosyl coupling defect. Last evaluated: 2018-01-13. Review status: criteria provided, single submitter. Criteria: ICSL Variant Classification Criteria 13 December 2019. Collection method: clinical testing. Allele origin: germline.

PreventionGenetics, part of Exact Sciences
Classification: Likely benign for TG-related condition. Last evaluated: 2022-03-17. Review status: no assertion criteria provided. Collection method: clinical testing. Allele origin: germline. Not counted in ClinVar's aggregate classification.
Comment: This variant is classified as likely benign based on ACMG/AMP sequence variant interpretation guidelines (Richards et al. 2015 PMID: 25741868, with internal and published modifications).

Dr. Peter K. Rogan Lab, Western University
No classification provided (evidence only). Condition: Thyroid cancer, nonmedullary, 1. Review status: no classification provided. Collection method: in vitro. Allele origin: not applicable. Functional consequence: retained intron. Not counted in ClinVar's aggregate classification.

NM_003235.5(TG):c.6181G>A (p.Gly2061Arg)

Gene: TG (thyroglobulin; plus strand). Cytogenetic location: 8q24.22.
Variant type: single nucleotide variant.
Coding change: c.6181G>A on transcript NM_003235.5 (MANE Select); coding-DNA position 6181, G replaced by A.
Protein change: p.Gly2061Arg; replaces glycine 2061 with arginine.
Molecular consequence: missense variant.
Genome position (GRCh38, 1-based): chr8:132,972,723, G>A. VCF-style: chr8-132972723-G-A. GRCh37 (hg19) VCF-style: chr8-133984968-G-A.
Other names: short protein forms G2061R.
Identifiers: ClinVar variation 361983 (VCV000361983.51), dbSNP rs115436575, ClinGen allele CA4884800.